The following is an entry in ClinVar:

NM_001039348.3(EFEMP1):c.1063G>A (p.Gly355Ser)

Gene: EFEMP1 (EGF-like fibulin extracellular matrix protein 1; minus strand). Cytogenetic location: 2p16.1.
Variant type: single nucleotide variant.
Coding change: c.1063G>A on transcript NM_001039348.3 (MANE Select); coding-DNA position 1063, G replaced by A.
Protein change: p.Gly355Ser; replaces glycine 355 with serine.
Molecular consequence: missense variant.
Genome position (GRCh38, 1-based): chr2:55,871,061, C>T on the plus strand (G>A on the coding strand, the complement: EFEMP1 is on the minus strand). VCF-style: chr2-55871061-C-T. GRCh37 (hg19) VCF-style: chr2-56098196-C-T.
Other names: c.1063G>A, p.Gly355Ser (NM_001039349.3); short protein forms G355S.
Identifiers: ClinVar variation 4752009 (VCV004752009.1).
Genomic context (GRCh38, chr2:55,871,061, plus strand): 5'-TCTCTGGTGTTAGAATGTAGGGATCTTGACAAGGATTTCGTGGATAACAACGGAAGCCGC[C>T]ATGATAATTCCAACACATTTCATCCTCCCGGCATTCATTTGTGGTCTCACACTCATTTAT-3'
Protein context (NP_001034437.1, residues 345-365): REDEMCWNYH[Gly355Ser]GFRCYPRNPC

ClinVar aggregate classification (germline): Uncertain significance (1 of 4 stars; one submission).

Submission:

Labcorp Genetics (formerly Invitae), Labcorp
Classification: Uncertain significance. Last evaluated: 2026-02-02. Review status: criteria provided, single submitter. Criteria: Invitae Variant Classification Sherloc (09022015). Collection method: clinical testing. Allele origin: germline.
Comment: This sequence change replaces glycine, which is neutral and non-polar, with serine, which is neutral and polar, at codon 355 of the EFEMP1 protein (p.Gly355Ser). This variant is not present in population databases (gnomAD no frequency). This variant has not been reported in the literature in individuals affected with EFEMP1-related conditions. Invitae Evidence Modeling of protein sequence and biophysical properties (such as structural, functional, and spatial information, amino acid conservation, physicochemical variation, residue mobility, and thermodynamic stability) has been performed for this missense variant. However, the output from this modeling did not meet the statistical confidence thresholds required to predict the impact of this variant on EFEMP1 protein function. In summary, the available evidence is currently insufficient to determine the role of this variant in disease. Therefore, it has been classified as a Variant of Uncertain Significance.